The following is an entry in ClinVar:

NM_000271.5(NPC1):c.2525T>C (p.Phe842Ser)

Gene: NPC1 (NPC intracellular cholesterol transporter 1; minus strand). Cytogenetic location: 18q11.2.
Variant type: single nucleotide variant.
Coding change: c.2525T>C on transcript NM_000271.5 (MANE Select); coding-DNA position 2525, T replaced by C.
Protein change: p.Phe842Ser; replaces phenylalanine 842 with serine.
Molecular consequence: missense variant.
Genome position (GRCh38, 1-based): chr18:23,540,527, A>G on the plus strand (T>C on the coding strand, the complement: NPC1 is on the minus strand). VCF-style: chr18-23540527-A-G. GRCh37 (hg19) VCF-style: chr18-21120491-A-G.
Other names: short protein forms F842S.
Identifiers: ClinVar variation 3007389 (VCV003007389.3), dbSNP rs374068891, ClinGen allele CA8913060.

ClinVar aggregate classification (germline): Likely pathogenic (1 of 4 stars; one submission).

Conditions:
Niemann-Pick disease, type C1. Also called: NEUROVISCERAL STORAGE DISEASE WITH VERTICAL SUPRANUCLEAR OPHTHALMOPLEGIA; NIEMANN-PICK DISEASE WITH CHOLESTEROL ESTERIFICATION BLOCK; NIEMANN-PICK DISEASE WITHOUT SPHINGOMYELINASE DEFICIENCY; NIEMANN-PICK DISEASE, CHRONIC NEURONOPATHIC FORM; NIEMANN-PICK DISEASE, VARIANT TYPE C1. Identifiers: Orphanet 646, MedGen C3179455, MONDO:0009757, OMIM 257220.

Allele frequency attached by ClinVar (database versions not stated): ExAC 0.00001; ESP Exome Variant Server 0.00008.

Submission:

Labcorp Genetics (formerly Invitae), Labcorp
Classification: Likely pathogenic for Niemann-Pick disease, type C1. Last evaluated: 2023-08-18. Review status: criteria provided, single submitter. Criteria: Invitae Variant Classification Sherloc (09022015). Collection method: clinical testing. Allele origin: germline.
Comment: This sequence change replaces phenylalanine, which is neutral and non-polar, with serine, which is neutral and polar, at codon 842 of the NPC1 protein (p.Phe842Ser). This variant is present in population databases (rs374068891, gnomAD 0.007%). In summary, the currently available evidence indicates that the variant is pathogenic, but additional data are needed to prove that conclusively. Therefore, this variant has been classified as Likely Pathogenic. This variant disrupts the p.Phe842 amino acid residue in NPC1. Other variant(s) that disrupt this residue have been determined to be pathogenic (PMID: 29453517; Invitae). This suggests that this residue is clinically significant, and that variants that disrupt this residue are likely to be disease-causing. Advanced modeling of protein sequence and biophysical properties (such as structural, functional, and spatial information, amino acid conservation, physicochemical variation, residue mobility, and thermodynamic stability) performed at Invitae indicates that this missense variant is expected to disrupt NPC1 protein function. This variant has not been reported in the literature in individuals affected with NPC1-related conditions.

Literature cited by the submitters: PubMed 29453517.